The following is an entry in ClinVar:

NM_000059.4(BRCA2):c.5219_5220dup (p.Ser1741Ter)

Gene: BRCA2 (BRCA2 DNA repair associated; plus strand). Cytogenetic location: 13q13.1.
Variant type: Duplication.
Coding change: c.5219_5220dup on transcript NM_000059.4 (MANE Select); coding-DNA positions 5219 to 5220, 2 bases duplicated (TA; older notation c.5219_5220dupTA).
Protein change: p.Ser1741Ter; replaces serine 1741 with a stop codon.
Molecular consequence: nonsense.
Genome position (GRCh38, 1-based): chr13:32,339,574-32,339,575, TA duplicated. VCF-style (leftmost placement, unchanged base first): chr13-32339573-T-TTA. GRCh37 (hg19) VCF-style: chr13-32913710-T-TTA.
Other names: c.5219_5220dupTA (NM_000059.3); short protein forms S1741*.
Identifiers: ClinVar variation 548344 (VCV000548344.1), dbSNP rs1555284115, ClinGen allele CA658823641.

ClinVar aggregate classification (germline): Pathogenic (3 of 4 stars; one submission).

Conditions:
Breast-ovarian cancer, familial, susceptibility to, 2 (BROVCA2). Also called: BRCA2 Hereditary Breast and Ovarian Cancer. Identifiers: Orphanet 145, MedGen C2675520, MONDO:0012933, OMIM 612555. Disease mechanism: loss of function.

Submission:

Evidence-based Network for the Interpretation of Germline Mutant Alleles (ENIGMA)
Classification: Pathogenic for Breast-ovarian cancer, familial, susceptibility to, 2. Last evaluated: 2017-12-15. Review status: reviewed by expert panel. Criteria: ENIGMA BRCA1/2 Classification Criteria (2017-06-29). Collection method: curation. Allele origin: germline. Study: ENIGMA.
Comment: Variant allele predicted to encode a truncated non-functional protein.